The following is an entry in ClinVar:

NM_000051.4(ATM):c.1444A>G (p.Lys482Glu)

Gene: ATM (ATM serine/threonine kinase; plus strand). Cytogenetic location: 11q22.3.
Variant type: single nucleotide variant.
Coding change: c.1444A>G on transcript NM_000051.4 (MANE Select); coding-DNA position 1444, A replaced by G.
Protein change: p.Lys482Glu; replaces lysine 482 with glutamic acid.
Molecular consequence: missense variant.
Genome position (GRCh38, 1-based): chr11:108,250,909, A>G. VCF-style: chr11-108250909-A-G. GRCh37 (hg19) VCF-style: chr11-108121636-A-G.
Other names: c.1444A>G, p.Lys482Glu (NM_001351834.2); short protein forms K482E.
Identifiers: ClinVar variation 3021109 (VCV003021109.3), dbSNP rs202173660, ClinGen allele CA382534087.

ClinVar aggregate classification (germline): Uncertain significance (1 of 4 stars; one submission).

Conditions:
Ataxia-telangiectasia syndrome (AT). Also called: Ataxia-telangiectasia, complementation group E; Ataxia-telangiectasia, complementation group D; AT, COMPLEMENTATION GROUP C; Ataxia-telangiectasia; LOUIS-BAR SYNDROME; Ataxia telangiectasia (A-T). Identifiers: Orphanet 100, MedGen C0004135, MONDO:0008840, OMIM 208900.

Submission:

Labcorp Genetics (formerly Invitae), Labcorp
Classification: Uncertain significance for Ataxia-telangiectasia syndrome. Last evaluated: 2023-04-24. Review status: criteria provided, single submitter. Criteria: Invitae Variant Classification Sherloc (09022015). Collection method: clinical testing. Allele origin: germline.
Comment: This variant has not been reported in the literature in individuals affected with ATM-related conditions. An algorithm developed to predict the effect of missense changes on protein structure and function (PolyPhen-2) suggests that this variant is likely to be tolerated. In summary, the available evidence is currently insufficient to determine the role of this variant in disease. Therefore, it has been classified as a Variant of Uncertain Significance. This sequence change replaces lysine, which is basic and polar, with glutamic acid, which is acidic and polar, at codon 482 of the ATM protein (p.Lys482Glu). This variant is not present in population databases (gnomAD no frequency).